The following is an entry in ClinVar:

ClinVar aggregate classification (germline): Uncertain significance. Review status: criteria provided, multiple submitters, no conflicts (2 of 4 stars). 2 submissions from 2 submitters: Uncertain significance (2). Last evaluated 2022-11-10.

Conditions:
Inborn genetic diseases. Identifiers: MedGen C0950123, MeSH D030342.

Allele frequency attached by ClinVar (database versions not stated): gnomAD exomes 0.00001; TOPMed 0.00001; ExAC 0.00002; gnomAD 0.00002 and 0.00003; 1000 Genomes Project 30x 0.00016; 1000 Genomes Project 0.00020.
gnomAD v4.1: 9 of 1,613,190 alleles (0.00056%); highest among the groups gnomAD compares: African/African-American, 0.004%; no homozygotes.

Submissions (2):

Ambry Genetics
Classification: Uncertain significance for Inborn genetic diseases. Last evaluated: 2022-11-10. Review status: criteria provided, single submitter. Criteria: Ambry Variant Classification Scheme 2023. Collection method: clinical testing. Allele origin: germline.

Labcorp Genetics (formerly Invitae), Labcorp
Classification: Uncertain significance. Last evaluated: 2021-12-02. Review status: criteria provided, single submitter. Criteria: Invitae Variant Classification Sherloc (09022015). Collection method: clinical testing. Allele origin: germline.
Comment: In summary, the available evidence is currently insufficient to determine the role of this variant in disease. Therefore, it has been classified as a Variant of Uncertain Significance. Algorithms developed to predict the effect of sequence changes on RNA splicing suggest that this variant may create or strengthen a splice site. Algorithms developed to predict the effect of missense changes on protein structure and function output the following: SIFT: "Tolerated"; PolyPhen-2: "Benign"; Align-GVGD: "Class C0". The alanine amino acid residue is found in multiple mammalian species, which suggests that this missense change does not adversely affect protein function. This variant has not been reported in the literature in individuals affected with ATP8A2-related conditions. This variant is present in population databases (rs569017935, gnomAD 0.007%). This sequence change replaces threonine, which is neutral and polar, with alanine, which is neutral and non-polar, at codon 1063 of the ATP8A2 protein (p.Thr1063Ala).

NM_016529.6(ATP8A2):c.3187A>G (p.Thr1063Ala)

Gene: ATP8A2 (ATPase phospholipid transporting 8A2). Cytogenetic location: 13q12.13.
Variant type: single nucleotide variant.
Coding change: c.3187A>G on transcript NM_016529.6 (MANE Select); coding-DNA position 3187, A replaced by G.
Protein change: p.Thr1063Ala; replaces threonine 1063 with alanine.
Molecular consequence: missense variant.
Genome position (GRCh38, 1-based): chr13:25,961,578, A>G. VCF-style: chr13-25961578-A-G. GRCh37 (hg19) VCF-style: chr13-26535716-A-G.
Other names: c.2992A>G, p.Thr998Ala (NM_001313741.1); c.3187A>G (NM_016529.4); short protein forms T998A, T1063A.
Identifiers: ClinVar variation 1397803 (VCV001397803.9), dbSNP rs569017935, ClinGen allele CA6923647.